The following is an entry in ClinVar:

NM_024426.6(WT1):c.784+3_784+4insCCC

Gene: WT1 (WT1 transcription factor; minus strand). Cytogenetic location: 11p13.
Variant type: Insertion.
Coding change: c.784+3_784+4insCCC on transcript NM_024426.6 (MANE Select); bases 3 to 4 of the intron after coding-DNA position 784, CCC inserted.
Molecular consequence: intron variant.
Genome position: GRCh38 VCF-style: chr11-32428493-T-TGGG. GRCh37 (hg19) VCF-style: chr11-32450039-T-TGGG.
Other names: c.662-436_662-435insCCC (NM_001407050.1, NM_001407047.1); c.784+3_784+4insCCC (NM_001407048.1, NM_001407049.1, NM_000378.6 and 4 more transcripts); c.22+3_22+4insCCC (NM_001407051.1); c.133+3_133+4insCCC (NM_001198552.2, NM_001198551.2).
Identifiers: ClinVar variation 1691933 (VCV001691933.1), dbSNP rs2133074872, ClinGen allele CA2573146214.

ClinVar aggregate classification (germline): Uncertain significance (1 of 4 stars; one submission).

Conditions:
Hereditary cancer-predisposing syndrome. Also called: Hereditary Cancer Syndrome; Hereditary neoplastic syndrome; Neoplastic Syndromes, Hereditary; Tumor predisposition. Identifiers: Orphanet 140162, MedGen C0027672, MeSH D009386, MONDO:0015356.

Submission:

Sema4
Classification: Uncertain significance for Hereditary cancer-predisposing syndrome. Last evaluated: 2022-02-01. Review status: criteria provided, single submitter. Criteria: Sema4 Curation Guidelines. Collection method: curation. Allele origin: germline.
Comment: The WT1 c.769+3_769+4insCCC variant has not been reported in the literature to our knowledge. This variant is not reported in the population database Genome Aggregation Database (PMID: 32461654), and has not been reported in ClinVar. In silico tools suggest the variant may disrupt normal splicing, though these predictions have not been confirmed by functional studies. The evidence is insufficient to meet ACMG/AMP criteria for classifying the variant as benign or pathogenic. Thus, the clinical significance of this variant is currently uncertain.